The following is an entry in ClinVar:

ClinVar aggregate classification (germline): Pathogenic (1 of 4 stars; one submission).

Submission:

GeneDx
Classification: Pathogenic. Last evaluated: 2022-06-23. Review status: criteria provided, single submitter. Criteria: GeneDx Variant Classification Process June 2021. Collection method: clinical testing. Allele origin: germline. Affected: yes.
Comment: Not observed in large population cohorts (gnomAD); In silico analysis supports that this missense variant has a deleterious effect on protein structure/function; Has not been previously published as pathogenic or benign to our knowledge

NM_004247.4(EFTUD2):c.1127C>G (p.Pro376Arg)

Gene: EFTUD2 (elongation factor Tu GTP binding domain containing 2; minus strand). Cytogenetic location: 17q21.31.
Variant type: single nucleotide variant.
Coding change: c.1127C>G on transcript NM_004247.4 (MANE Select); coding-DNA position 1127, C replaced by G.
Protein change: p.Pro376Arg; replaces proline 376 with arginine.
Molecular consequence: missense variant.
Genome position (GRCh38, 1-based): chr17:44,867,829, G>C on the plus strand (C>G on the coding strand, the complement: EFTUD2 is on the minus strand). VCF-style: chr17-44867829-G-C. GRCh37 (hg19) VCF-style: chr17-42945197-G-C.
Other names: c.1022C>G, p.Pro341Arg (NM_001142605.2); c.1127C>G, p.Pro376Arg (NM_001258353.2); c.1097C>G, p.Pro366Arg (NM_001258354.2); short protein forms P341R, P366R, P376R.
Identifiers: ClinVar variation 1693035 (VCV001693035.2), dbSNP rs2145487524, ClinGen allele CA399815904.
Genomic context (GRCh38, chr17:44,867,829, plus strand): 5'-TAAGAGCAGATCTGCCCAGTGTGACCTGACACACTCACCTGGGCGAGGATCTTATAAAGA[G>C]GCTCCAAGATAAACTCCACGAAACTTCTCTGGGAGCTGCTAGTTGGGGCCTTTTTGGTGA-3'
Protein context (NP_004238.3, residues 366-386): QRSFVEFILE[Pro376Arg]LYKILAQVVG